The following is an entry in ClinVar:

ClinVar aggregate classification (germline): Likely pathogenic (1 of 4 stars; one submission).

Allele frequency attached by ClinVar (database versions not stated): gnomAD exomes below 0.00001; ExAC 0.00001.

Submission:

Labcorp Genetics (formerly Invitae), Labcorp
Classification: Likely pathogenic. Last evaluated: 2017-09-28. Review status: criteria provided, single submitter. Criteria: Invitae Variant Classification Sherloc (09022015). Collection method: clinical testing. Allele origin: germline.
Comment: In summary, the currently available evidence indicates that the variant is pathogenic, but additional data are needed to prove that conclusively. Therefore, this variant has been classified as Likely Pathogenic. Donor and acceptor splice site variants typically lead to a loss of protein function (PMID: 16199547), and loss-of-function variants in TUBGCP4 are known to be pathogenic (PMID: 25817018). Algorithms developed to predict the effect of sequence changes on RNA splicing suggest that this variant may disrupt the consensus splice site, but this prediction has not been confirmed by published transcriptional studies. This variant has not been reported in the literature in individuals with TUBGCP4-related disease. This variant is present in population databases (rs774875526, ExAC 0.001%). This sequence change affects a donor splice site in intron 4 of the TUBGCP4 gene. It is expected to disrupt RNA splicing and likely results in an absent or disrupted protein product.

Literature cited by the submitters: PubMed 16199547; PubMed 25817018.

NM_014444.5(TUBGCP4):c.384+1G>T

Gene: TUBGCP4 (tubulin gamma complex component 4; plus strand). Cytogenetic location: 15q15.3.
Variant type: single nucleotide variant.
Coding change: c.384+1G>T on transcript NM_014444.5 (MANE Select); the canonical splice donor site of the intron after coding-DNA position 384, G replaced by T.
Molecular consequence: splice donor variant.
Genome position (GRCh38, 1-based): chr15:43,377,068, G>T. VCF-style: chr15-43377068-G-T. GRCh37 (hg19) VCF-style: chr15-43669266-G-T.
Other names: c.384+1G>T (NM_001286414.3).
Identifiers: ClinVar variation 1066865 (VCV001066865.7), dbSNP rs774875526, ClinGen allele CA7523753.